The following is an entry in ClinVar:

NM_000308.4(CTSA):c.1088+5G>C

Gene: CTSA (cathepsin A; plus strand). Cytogenetic location: 20q13.12.
Variant type: single nucleotide variant.
Coding change: c.1088+5G>C on transcript NM_000308.4 (MANE Select); 5 bases into the intron after coding-DNA position 1088, G replaced by C.
Molecular consequence: intron variant.
Genome position (GRCh38, 1-based): chr20:45,895,138, G>C. VCF-style: chr20-45895138-G-C. GRCh37 (hg19) VCF-style: chr20-44523777-G-C.
Other names: c.1088+5G>C (NM_001127695.3); c.1037+5G>C (NM_001167594.3).
Identifiers: ClinVar variation 1414041 (VCV001414041.4), dbSNP rs377189450, ClinGen allele CA9883268.
Genomic context (GRCh38, chr20:45,895,138, plus strand): 5'-TACGTGCGGAAGGCCCTCAACATCCCGGAGCAGCTGCCACAATGGGACATGTGCAAGTGA[G>C]GTTCCGTGGCCACCTGTGACTTGGGGTGGTGGGTTGCTGGGGCTTGTGGGCATCGGCAGG-3'

ClinVar aggregate classification (germline): Uncertain significance. Review status: criteria provided, multiple submitters, no conflicts (2 of 4 stars). 2 submissions from 2 submitters: Uncertain significance (2). Last evaluated 2025-03-08.

Conditions:
Combined deficiency of sialidase AND beta galactosidase (GSL). Also called: GOLDBERG SYNDROME; NEURAMINIDASE DEFICIENCY WITH BETA-GALACTOSIDASE DEFICIENCY; NEURAMINIDASE/BETA-GALACTOSIDASE EXPRESSION; CATHEPSIN A DEFICIENCY; PPCA DEFICIENCY; PROTECTIVE PROTEIN/CATHEPSIN A DEFICIENCY. Identifiers: Orphanet 351, MedGen C0268233, MONDO:0009737, OMIM 256540.

Allele frequency attached by ClinVar (database versions not stated): gnomAD exomes 0.00001 and 0.00004; ExAC 0.00005; gnomAD 0.00007; TOPMed 0.00007; ESP Exome Variant Server 0.00008; 1000 Genomes Project 30x 0.00016; 1000 Genomes Project 0.00020.
gnomAD v4.1: 29 of 1,614,104 alleles (0.0018%); highest among the groups gnomAD compares: African/African-American, 0.037%; no homozygotes.

Submissions (2):

Women's Health and Genetics/Laboratory Corporation of America, LabCorp
Classification: Uncertain significance. Last evaluated: 2025-03-08. Review status: criteria provided, single submitter. Criteria: LabCorp Variant Classification Summary - May 2015. Collection method: clinical testing. Allele origin: germline.

Labcorp Genetics (formerly Invitae), Labcorp
Classification: Uncertain significance for Combined deficiency of sialidase AND beta galactosidase. Last evaluated: 2022-09-08. Review status: criteria provided, single submitter. Criteria: Invitae Variant Classification Sherloc (09022015). Collection method: clinical testing. Allele origin: germline.
Comment: This sequence change falls in intron 11 of the CTSA gene. It does not directly change the encoded amino acid sequence of the CTSA protein. It affects a nucleotide within the consensus splice site. This variant is present in population databases (rs377189450, gnomAD 0.05%). This variant has not been reported in the literature in individuals affected with CTSA-related conditions. ClinVar contains an entry for this variant (Variation ID: 1414041). Variants that disrupt the consensus splice site are a relatively common cause of aberrant splicing (PMID: 17576681, 9536098). Algorithms developed to predict the effect of sequence changes on RNA splicing suggest that this variant may disrupt the consensus splice site. In summary, the available evidence is currently insufficient to determine the role of this variant in disease. Therefore, it has been classified as a Variant of Uncertain Significance.

Literature cited by the submitters: PubMed 17576681 (cited by Labcorp Genetics (formerly Invitae), Labcorp); PubMed 9536098 (cited by Labcorp Genetics (formerly Invitae), Labcorp).